The following is an entry in ClinVar:

ClinVar aggregate classification (germline): Likely pathogenic. Review status: criteria provided, single submitter (1 of 4 stars). 3 submissions from 3 submitters: Likely pathogenic (1). 2 of the submissions do not count toward it. Last evaluated 2025-11-06.

Conditions:
Renal tubulopathies.
Pseudohypoaldosteronism type 2B (PHA2B). Also called: Pseudohypoaldosteronism Type IIB. Identifiers: Orphanet 757, Orphanet 88939, MedGen C1840390, MONDO:0013777, OMIM 614491.

Submissions (3):

Genetics Laboratory, Great Ormond Street Hospital NHS Foundation Trust, North Thames Genomic Laboratory Hub
Classification: Likely pathogenic for Renal tubulopathies. Last evaluated: 2025-11-06. Review status: criteria provided, single submitter. Criteria: ACGS Best Practice Guidelines for Variant Classification in Rare Disease 2024 v1.2. Collection method: clinical testing. Allele origin: germline. Affected: yes.
Comment: PS4_supporting, PM2_moderate, PM1_moderate, PP4_supporting

OMIM
Classification: Pathogenic for PSEUDOHYPOALDOSTERONISM, TYPE IIB. Last evaluated: 2001-08-10. Review status: no assertion criteria provided. Collection method: literature only. Allele origin: germline. Not counted in ClinVar's aggregate classification.

GeneReviews
No classification provided. Condition: Pseudohypoaldosteronism type 2B. Review status: no classification provided. Collection method: literature only. Allele origin: germline. Not counted in ClinVar's aggregate classification.

Literature cited by the submitters: PubMed 11498583 (cited by OMIM); NCBI Bookshelf NBK65707 (cited by GeneReviews).

NM_032387.5(WNK4):c.1684G>A (p.Glu562Lys)

Gene: WNK4 (WNK lysine deficient protein kinase 4; plus strand). Cytogenetic location: 17q21.2.
Variant type: single nucleotide variant.
Coding change: c.1684G>A on transcript NM_032387.5 (MANE Select); coding-DNA position 1684, G replaced by A.
Protein change: p.Glu562Lys; replaces glutamic acid 562 with lysine.
Molecular consequence: missense variant.
Genome position (GRCh38, 1-based): chr17:42,787,485, G>A. VCF-style: chr17-42787485-G-A. GRCh37 (hg19) VCF-style: chr17-40939503-G-A.
Other names: c.676G>A, p.Glu226Lys (NM_001321299.2); short protein forms E562K, E226K.
Identifiers: ClinVar variation 7661 (VCV000007661.3), dbSNP rs137853093, ClinGen allele CA254226.